The following is an entry in ClinVar:

ClinVar aggregate classification (germline): Conflicting classifications of pathogenicity. Review status: criteria provided, conflicting classifications (1 of 4 stars). 2 submissions from 2 submitters: Uncertain significance (1); Likely benign (1). Last evaluated 2025-11-26.

Conditions:
Neurodevelopmental disorder with seizures, microcephaly, and brain abnormalities (NEDSMBA). Identifiers: MedGen C5774209, MONDO:0859283, OMIM 620024.
Inborn genetic diseases. Identifiers: MedGen C0950123, MeSH D030342.

Allele frequency attached by ClinVar (database versions not stated): TOPMed 0.00005; 1000 Genomes Project 0.00020; gnomAD 0.00001; gnomAD exomes 0.00001; 1000 Genomes Project 30x 0.00016; ExAC 0.00007.
gnomAD v4.1: 40 of 1,607,422 alleles (0.0025%); highest among the groups gnomAD compares: East Asian, 0.031%; no homozygotes.

Submissions (2):

Ambry Genetics
Classification: Uncertain significance for Inborn genetic diseases. Last evaluated: 2025-11-26. Review status: criteria provided, single submitter. Criteria: Ambry Variant Classification Scheme 2023. Collection method: clinical testing. Allele origin: germline.

3billion
Classification: Likely benign for Neurodevelopmental disorder with seizures, microcephaly, and brain abnormalities. Last evaluated: 2024-09-20. Review status: criteria provided, single submitter. Criteria: ACMG Guidelines, 2015. Collection method: clinical testing. Allele origin: germline. Affected: no.
Comment: The homozygous variant was found in patients diagnosed with another variant in a different gene, with no symptoms related to the gene containing the homozygous variant.

NM_003622.4(PPFIBP1):c.2053G>C (p.Gly685Arg)

Gene: PPFIBP1 (PPFIB scaffold protein 1; plus strand). Cytogenetic location: 12p11.22.
Variant type: single nucleotide variant.
Coding change: c.2053G>C on transcript NM_003622.4 (MANE Select); coding-DNA position 2053, G replaced by C.
Protein change: p.Gly685Arg; replaces glycine 685 with arginine.
Molecular consequence: missense variant.
Genome position (GRCh38, 1-based): chr12:27,682,393, G>C. VCF-style: chr12-27682393-G-C. GRCh37 (hg19) VCF-style: chr12-27835326-G-C.
Other names: c.1612G>C, p.Gly538Arg (NM_001198915.2); c.1978G>C, p.Gly660Arg (NM_001198916.2); c.2071G>C, p.Gly691Arg (NM_177444.3); short protein forms G660R, G538R, G685R, G691R.
Identifiers: ClinVar variation 2570324 (VCV002570324.4), dbSNP rs200119939, ClinGen allele CA6493663.